The following is an entry in ClinVar:

NM_000548.5(TSC2):c.209C>A (p.Thr70Asn)

Gene: TSC2 (TSC complex subunit 2; plus strand). Cytogenetic location: 16p13.3.
Variant type: single nucleotide variant.
Coding change: c.209C>A on transcript NM_000548.5 (MANE Select); coding-DNA position 209, C replaced by A.
Protein change: p.Thr70Asn; replaces threonine 70 with asparagine.
Molecular consequence: missense variant. On other transcripts: 5 prime UTR variant (1).
Genome position (GRCh38, 1-based): chr16:2,050,470, C>A. VCF-style: chr16-2050470-C-A. GRCh37 (hg19) VCF-style: chr16-2100471-C-A.
Other names: c.209C>A, p.Thr70Asn (NM_001077183.3, NM_001114382.3, NM_001318827.2 and 4 more transcripts); c.62C>A, p.Thr21Asn (NM_001318829.2); c.-18C>A (NM_001318831.2); c.242C>A, p.Thr81Asn (NM_001318832.2); short protein forms T21N, T81N, T70N.
Identifiers: ClinVar variation 810703 (VCV000810703.53), dbSNP rs1013995962, ClinGen allele CA276769443.

ClinVar aggregate classification (germline): Conflicting classifications of pathogenicity. Review status: criteria provided, conflicting classifications (1 of 4 stars). 5 submissions from 5 submitters: Uncertain significance (4); Benign (1). Last evaluated 2025-09-16.

Conditions:
Tuberous sclerosis 2 (TSC2). Identifiers: Orphanet 805, MedGen C1860707, MONDO:0013199, OMIM 613254.
Lymphangiomyomatosis (LAM). Also called: Lymphangioleiomyomatosis, somatic; Lymphangioleiomyomatosis. Identifiers: Orphanet 538, MedGen C0751674, MONDO:0011705, OMIM 606690.
Isolated focal cortical dysplasia type II (FCORD2). Also called: Focal cortical dysplasia type II; CORTICAL DYSPLASIA OF TAYLOR. Identifiers: Orphanet 268994, MedGen C1846385, MONDO:0011818, OMIM 607341, HP:0032051.
Hereditary cancer-predisposing syndrome. Also called: Tumor predisposition; Hereditary neoplastic syndrome; Neoplastic Syndromes, Hereditary; Hereditary Cancer Syndrome. Identifiers: Orphanet 140162, MedGen C0027672, MeSH D009386, MONDO:0015356.

Allele frequency attached by ClinVar (database versions not stated): gnomAD exomes below 0.00001; TOPMed below 0.00001.
gnomAD v4.1: 20 of 1,613,704 alleles (0.0012%); highest among the groups gnomAD compares: South Asian, 0.0022%; no homozygotes.

Submissions (5):

Labcorp Genetics (formerly Invitae), Labcorp
Classification: Benign for Tuberous sclerosis 2. Last evaluated: 2025-09-16. Review status: criteria provided, single submitter. Criteria: Invitae Variant Classification Sherloc (09022015). Collection method: clinical testing. Allele origin: germline.

Ambry Genetics
Classification: Uncertain significance for Hereditary cancer-predisposing syndrome. Last evaluated: 2025-08-25. Review status: criteria provided, single submitter. Criteria: Ambry Variant Classification Scheme 2023. Collection method: clinical testing. Allele origin: germline.
Comment: The p.T70N variant (also known as c.209C>A), located in coding exon 2 of the TSC2 gene, results from a C to A substitution at nucleotide position 209. The threonine at codon 70 is replaced by asparagine, an amino acid with similar properties. This amino acid position is well conserved in available vertebrate species. In addition, the in silico prediction for this alteration is inconclusive. Since supporting evidence is limited at this time, the clinical significance of this alteration remains unclear.

Fulgent Genetics
Classification: Uncertain significance for Lymphangiomyomatosis; Isolated focal cortical dysplasia type II; Tuberous sclerosis 2. Last evaluated: 2021-12-19. Review status: criteria provided, single submitter. Criteria: ACMG Guidelines, 2015. Collection method: clinical testing. Allele origin: unknown.

Genome-Nilou Lab
Classification: Uncertain significance for Tuberous sclerosis 2. Last evaluated: 2021-11-07. Review status: criteria provided, single submitter. Criteria: ACMG Guidelines, 2015. Collection method: clinical testing. Allele origin: germline. Affected: no.

CeGaT Center for Human Genetics Tuebingen
Classification: Uncertain significance. Last evaluated: 2016-05-01. Review status: criteria provided, single submitter. Criteria: CeGaT Center For Human Genetics Tuebingen Variant Classification Criteria Version 2. Collection method: clinical testing. Allele origin: germline. Affected: yes. Observed: 1 variant allele.